The following is an entry in ClinVar:

ClinVar aggregate classification (germline): Uncertain significance (1 of 4 stars; one submission).

Submission:

Labcorp Genetics (formerly Invitae), Labcorp
Classification: Uncertain significance. Last evaluated: 2024-10-22. Review status: criteria provided, single submitter. Criteria: Invitae Variant Classification Sherloc (09022015). Collection method: clinical testing. Allele origin: germline.
Comment: This sequence change falls in intron 2 of the KCNJ13 gene. It does not directly change the encoded amino acid sequence of the KCNJ13 protein. It affects a nucleotide within the consensus splice site. This variant is not present in population databases (gnomAD no frequency). This variant has not been reported in the literature in individuals affected with KCNJ13-related conditions. ClinVar contains an entry for this variant (Variation ID: 1009624). Variants that disrupt the consensus splice site are a relatively common cause of aberrant splicing (PMID: 17576681, 9536098). Algorithms developed to predict the effect of sequence changes on RNA splicing suggest that this variant may disrupt the consensus splice site. In summary, the available evidence is currently insufficient to determine the role of this variant in disease. Therefore, it has been classified as a Variant of Uncertain Significance.

Literature cited by the submitters: PubMed 17576681; PubMed 9536098.

NM_002242.4(KCNJ13):c.460+1G>C

Genes: GIGYF2 (GRB10 interacting GYF protein 2; plus strand), KCNJ13 (potassium inwardly rectifying channel subfamily J member 13; minus strand). Cytogenetic location: 2q37.1.
Variant type: single nucleotide variant.
Coding change: c.460+1G>C on transcript NM_002242.4 (MANE Select); the canonical splice donor site of the intron after coding-DNA position 460, G replaced by C.
Molecular consequence: splice donor variant. On other transcripts: intron variant (5).
Genome position (GRCh38, 1-based): chr2:232,770,902, C>G on the plus strand (G>C on the coding strand, the complement: KCNJ13 is on the minus strand). VCF-style: chr2-232770902-C-G. GRCh37 (hg19) VCF-style: chr2-233635612-C-G.
Other names: c.532+9466C>G (NM_001103146.3, NM_015575.4, NM_001103148.2); c.533-5510C>G (NM_001103147.2); c.220+1G>C (NM_001172417.1); c.224+237G>C (NM_001172416.1).
Identifiers: ClinVar variation 1009624 (VCV001009624.8), dbSNP rs1236034447, ClinGen allele CA351011625.